The following is an entry in ClinVar:

NM_032603.5(LOXL3):c.797A>G (p.Asn266Ser)

Gene: LOXL3 (lysyl oxidase like 3; minus strand). Cytogenetic location: 2p13.1.
Variant type: single nucleotide variant.
Coding change: c.797A>G on transcript NM_032603.5 (MANE Select); coding-DNA position 797, A replaced by G.
Protein change: p.Asn266Ser; replaces asparagine 266 with serine.
Molecular consequence: missense variant. On other transcripts: intron variant (2).
Genome position (GRCh38, 1-based): chr2:74,536,824, T>C on the plus strand (A>G on the coding strand, the complement: LOXL3 is on the minus strand). VCF-style: chr2-74536824-T-C. GRCh37 (hg19) VCF-style: chr2-74763951-T-C.
Other names: c.797A>G (NM_032603.2, NM_032603.4); c.478-353A>G (NM_001289164.3); c.-171-353A>G (NM_001289165.2); short protein forms N266S.
Identifiers: ClinVar variation 2153433 (VCV002153433.5), dbSNP rs139468475, ClinGen allele CA1729083.

ClinVar aggregate classification (germline): Uncertain significance. Review status: criteria provided, multiple submitters, no conflicts (2 of 4 stars). 3 submissions from 3 submitters: Uncertain significance (3). Last evaluated 2026-08-24.

Conditions:
LOXL3-related disorder. Also called: LOXL3-related condition.

Allele frequency attached by ClinVar (database versions not stated): 1000 Genomes Project 30x 0.00016; ExAC 0.00018; 1000 Genomes Project 0.00020; ESP Exome Variant Server 0.00008; gnomAD exomes 0.00010.
gnomAD v4.1: 150 of 1,614,204 alleles (0.0093%); highest among the groups gnomAD compares: South Asian, 0.13%; no homozygotes.

Submissions (3):

PreventionGenetics, part of Exact Sciences
Classification: Uncertain significance for LOXL3-related condition. Last evaluated: 2026-08-24. Review status: criteria provided, single submitter. Criteria: ACMG Guidelines, 2015. Collection method: clinical testing. Allele origin: germline.
Comment: The LOXL3 c.797A>G variant is predicted to result in the amino acid substitution p.Asn266Ser. To our knowledge, this variant has not been reported in the literature. This variant is reported in 0.12% of alleles in individuals of South Asian descent in gnomAD. Although we suspect that this variant may be benign, at this time, the clinical significance of this variant is uncertain due to the absence of conclusive functional and genetic evidence.

Ambry Genetics
Classification: Uncertain significance. Last evaluated: 2025-11-19. Review status: criteria provided, single submitter. Criteria: Ambry Variant Classification Scheme 2023. Collection method: clinical testing. Allele origin: germline.

Labcorp Genetics (formerly Invitae), Labcorp
Classification: Uncertain significance. Last evaluated: 2022-03-31. Review status: criteria provided, single submitter. Criteria: Invitae Variant Classification Sherloc (09022015). Collection method: clinical testing. Allele origin: germline.
Comment: This sequence change replaces asparagine, which is neutral and polar, with serine, which is neutral and polar, at codon 266 of the LOXL3 protein (p.Asn266Ser). This variant is present in population databases (rs139468475, gnomAD 0.1%). This variant has not been reported in the literature in individuals affected with LOXL3-related conditions. Algorithms developed to predict the effect of missense changes on protein structure and function (SIFT, PolyPhen-2, Align-GVGD) all suggest that this variant is likely to be disruptive. In summary, the available evidence is currently insufficient to determine the role of this variant in disease. Therefore, it has been classified as a Variant of Uncertain Significance.